The following is an entry in ClinVar:

NM_001048174.2(MUTYH):c.1218G>A (p.Thr406=)

Gene: MUTYH (mutY DNA glycosylase; minus strand). Cytogenetic location: 1p34.1.
Variant type: single nucleotide variant.
Coding change: c.1218G>A on transcript NM_001048174.2 (MANE Select); coding-DNA position 1218, G replaced by A.
Protein change: p.Thr406=; no amino-acid change (threonine 406 retained).
Molecular consequence: synonymous variant. On other transcripts: non-coding transcript variant (2).
Genome position (GRCh38, 1-based): chr1:45,331,441, C>T on the plus strand (G>A on the coding strand, the complement: MUTYH is on the minus strand). VCF-style: chr1-45331441-C-T. GRCh37 (hg19) VCF-style: chr1-45797113-C-T.
Other names: c.1218G>A, p.Thr406= (NM_001048171.2, NM_001048173.2, NM_001293195.2); c.1221G>A, p.Thr407= (NM_001048172.2); c.1302G>A, p.Thr434= (NM_001128425.2); c.1263G>A, p.Thr421= (NM_001293190.2); c.1251G>A, p.Thr417= (NM_001293191.2); c.942G>A, p.Thr314= (NM_001293192.2, NM_001293196.2); c.873G>A, p.Thr291= (NM_001350650.2, NM_001350651.2); c.1293G>A, p.Thr431= (NM_012222.3).
Identifiers: ClinVar variation 185327 (VCV000185327.24), dbSNP rs751465584, ClinGen allele CA012548.

ClinVar aggregate classification (germline): Likely benign. Review status: criteria provided, multiple submitters, no conflicts (2 of 4 stars). 8 submissions from 8 submitters: Likely benign (8). Last evaluated 2025-12-17.

Conditions:
Hereditary cancer-predisposing syndrome. Also called: Neoplastic Syndromes, Hereditary; Tumor predisposition; Hereditary Cancer Syndrome; Hereditary neoplastic syndrome. Identifiers: Orphanet 140162, MedGen C0027672, MeSH D009386, MONDO:0015356.
Familial adenomatous polyposis 2. Also called: Adenomas, multiple colorectal; COLORECTAL ADENOMATOUS POLYPOSIS, AUTOSOMAL RECESSIVE; ADENOMAS, MULTIPLE COLORECTAL, AUTOSOMAL RECESSIVE; MYH-associated polyposis; MUTYH Polyposis; FAP type 2. Identifiers: Orphanet 220460, Orphanet 247798, MedGen C3272841, MONDO:0012041, OMIM 608456.

Allele frequency attached by ClinVar (database versions not stated): gnomAD 0.00001; gnomAD exomes 0.00001 and 0.00002; ExAC 0.00002; TOPMed 0.00002.
gnomAD v4.1: 17 of 1,614,096 alleles (0.0011%); highest among the groups gnomAD compares: Non-Finnish European, 0.00042%; no homozygotes.

Submissions (8):

Labcorp Genetics (formerly Invitae), Labcorp
Classification: Likely benign for Familial adenomatous polyposis 2. Last evaluated: 2025-12-17. Review status: criteria provided, single submitter. Criteria: Invitae Variant Classification Sherloc (09022015). Collection method: clinical testing. Allele origin: germline.

All of Us Research Program, National Institutes of Health
Classification: Likely benign for Familial adenomatous polyposis 2. Last evaluated: 2023-12-13. Review status: criteria provided, single submitter. Criteria: ACMG Guidelines, 2015. Collection method: clinical testing. Allele origin: germline. Inheritance: Autosomal recessive inheritance. Observed: 6 variant alleles, 6 heterozygotes.
Comment: This study involves interpretation of variants in research participants for the purpose of population health screening. Participant phenotype was not available at the time of variant classification. Additional details can be found in publication PMID: 35346344, PMCID: PMC8962531

Institute for Biomarker Research, Medical Diagnostic Laboratories, L.L.C.
Classification: Likely benign for Hereditary cancer-predisposing syndrome. Last evaluated: 2023-11-28. Review status: criteria provided, single submitter. Criteria: ACMG Guidelines, 2015. Collection method: clinical testing. Allele origin: germline.

Quest Diagnostics Nichols Institute San Juan Capistrano
Classification: Likely benign. Last evaluated: 2023-08-22. Review status: criteria provided, single submitter. Criteria: Quest Diagnostics criteria. Collection method: clinical testing. Allele origin: unknown.

Sema4
Classification: Likely benign for Hereditary cancer-predisposing syndrome. Last evaluated: 2021-11-30. Review status: criteria provided, single submitter. Criteria: Sema4 Curation Guidelines. Collection method: curation. Allele origin: germline.

GeneDx
Classification: Likely benign. Last evaluated: 2021-08-16. Review status: criteria provided, single submitter. Criteria: GeneDx Variant Classification Process June 2021. Collection method: clinical testing. Allele origin: germline. Affected: yes.

Color Diagnostics, LLC DBA Color Health
Classification: Likely benign for Hereditary cancer-predisposing syndrome. Last evaluated: 2018-03-29. Review status: criteria provided, single submitter. Criteria: ACMG Guidelines, 2015. Collection method: clinical testing. Allele origin: germline.

Ambry Genetics
Classification: Likely benign for Hereditary cancer-predisposing syndrome. Last evaluated: 2014-06-24. Review status: criteria provided, single submitter. Criteria: Ambry Variant Classification Scheme 2023. Collection method: clinical testing. Allele origin: germline.